The following is an entry in ClinVar:

ClinVar aggregate classification (germline): Uncertain significance. Review status: criteria provided, multiple submitters, no conflicts (2 of 4 stars). 2 submissions from 2 submitters: Uncertain significance (2). Last evaluated 2024-11-17.

Allele frequency attached by ClinVar (database versions not stated): gnomAD exomes 0.00018; 1000 Genomes Project 0.00020; ESP Exome Variant Server 0.00023; gnomAD 0.00029; 1000 Genomes Project 30x 0.00031; TOPMed 0.00039; ExAC 0.00053.
gnomAD v4.1: 326 of 1,526,774 alleles (0.021%); highest among the groups gnomAD compares: Admixed American, 0.01%; 1 homozygote.

Submissions (2):

Ambry Genetics
Classification: Uncertain significance. Last evaluated: 2024-11-17. Review status: criteria provided, single submitter. Criteria: Ambry Variant Classification Scheme 2023. Collection method: clinical testing. Allele origin: germline.
Comment: The p.P1819L variant (also known as c.5456C>T), located in coding exon 22 of the WNK2 gene, results from a C to T substitution at nucleotide position 5456. The proline at codon 1819 is replaced by leucine, an amino acid with similar properties. This amino acid position is conserved. In addition, this alteration is predicted to be tolerated by in silico analysis. Based on the available evidence, the clinical significance of this variant remains unclear.

Breakthrough Genomics
Classification: Uncertain significance. Review status: criteria provided, single submitter. Criteria: ACMG Guidelines, 2015. Collection method: not provided. Allele origin: germline. Inheritance: Autosomal recessive inheritance. Affected: yes.

NM_006648.4(WNK2):c.5456C>T (p.Pro1819Leu)

Gene: WNK2 (WNK lysine deficient protein kinase 2; plus strand). Cytogenetic location: 9q22.31.
Variant type: single nucleotide variant.
Coding change: c.5456C>T on transcript NM_006648.4 (MANE Select); coding-DNA position 5456, C replaced by T.
Protein change: p.Pro1819Leu; replaces proline 1819 with leucine.
Molecular consequence: missense variant.
Genome position (GRCh38, 1-based): chr9:93,292,921, C>T. VCF-style: chr9-93292921-C-T. GRCh37 (hg19) VCF-style: chr9-96055203-C-T.
Other names: c.5567C>T, p.Pro1856Leu (NM_001282394.3); short protein forms P1819L, P1856L.
Identifiers: ClinVar variation 2362913 (VCV002362913.4), dbSNP rs201158379, ClinGen allele CA5130595.